The following is an entry in ClinVar:

ClinVar aggregate classification (germline): Uncertain significance (1 of 4 stars; one submission).

gnomAD v4.1: 50 of 1,613,836 alleles (0.0031%); highest among the groups gnomAD compares: Admixed American, 0.0033%; 1 homozygote.

Submission:

GeneDx
Classification: Uncertain significance. Last evaluated: 2025-07-22. Review status: criteria provided, single submitter. Criteria: GeneDx Variant Classification Process June 2021. Collection method: clinical testing. Allele origin: germline. Affected: yes.
Comment: In silico analysis supports that this missense variant has a deleterious effect on protein structure/function; Has not been previously published as pathogenic or benign to our knowledge

NM_001384125.1(BLTP1):c.2417G>A (p.Arg806His)

Gene: BLTP1 (bridge-like lipid transfer protein family member 1; plus strand). Cytogenetic location: 4q27.
Variant type: single nucleotide variant.
Coding change: c.2417G>A on transcript NM_001384125.1 (MANE Select); coding-DNA position 2417, G replaced by A.
Protein change: p.Arg806His; replaces arginine 806 with histidine.
Molecular consequence: missense variant.
Genome position (GRCh38, 1-based): chr4:122,219,509, G>A. VCF-style: chr4-122219509-G-A. GRCh37 (hg19) VCF-style: chr4-123140664-G-A.
Other names: c.2417G>A, p.Arg806His (NM_015312.4); short protein forms R806H.
Identifiers: ClinVar variation 4686993 (VCV004686993.1).